The following is an entry in ClinVar:

NM_015909.4(NBAS):c.5377G>A (p.Val1793Ile)

Gene: NBAS (NBAS subunit of NRZ tethering complex; minus strand). Cytogenetic location: 2p24.3.
Variant type: single nucleotide variant.
Coding change: c.5377G>A on transcript NM_015909.4 (MANE Select); coding-DNA position 5377, G replaced by A.
Protein change: p.Val1793Ile; replaces valine 1793 with isoleucine.
Molecular consequence: missense variant. On other transcripts: non-coding transcript variant (1).
Genome position (GRCh38, 1-based): chr2:15,276,863, C>T on the plus strand (G>A on the coding strand, the complement: NBAS is on the minus strand). VCF-style: chr2-15276863-C-T. GRCh37 (hg19) VCF-style: chr2-15416987-C-T.
Other names: short protein forms V1793I.
Identifiers: ClinVar variation 2096938 (VCV002096938.4), dbSNP rs2528123261, ClinGen allele CA345883458.
Genomic context (GRCh38, chr2:15,276,863, plus strand): 5'-AGATTTAATTGAAAAGAATGAATTCAAGCAGGGAAACAACCATCCTACCTGATGCAACAA[C>T]CTTAAACTTCTTCAGCAGTCGAATGTGGGTTTCTGGTTTAATGGCACAGTTCCCCAAATC-3'
Protein context (NP_056993.2, residues 1783-1803): THIRLLKKFK[Val1793Ile]VASGLNYKKL

ClinVar aggregate classification (germline): Uncertain significance (1 of 4 stars; one submission).

gnomAD v4.1: 3 of 1,614,040 alleles (0.00019%); highest among the groups gnomAD compares: Non-Finnish European, 0.00025%; no homozygotes.

Submission:

Labcorp Genetics (formerly Invitae), Labcorp
Classification: Uncertain significance. Last evaluated: 2022-02-11. Review status: criteria provided, single submitter. Criteria: Invitae Variant Classification Sherloc (09022015). Collection method: clinical testing. Allele origin: germline.
Comment: Algorithms developed to predict the effect of missense changes on protein structure and function are either unavailable or do not agree on the potential impact of this missense change (SIFT: "Deleterious"; PolyPhen-2: "Benign"; Align-GVGD: "Class C25"). This variant has not been reported in the literature in individuals affected with NBAS-related conditions. This variant is not present in population databases (gnomAD no frequency). This sequence change replaces valine, which is neutral and non-polar, with isoleucine, which is neutral and non-polar, at codon 1793 of the NBAS protein (p.Val1793Ile). In summary, the available evidence is currently insufficient to determine the role of this variant in disease. Therefore, it has been classified as a Variant of Uncertain Significance.